The following is an entry in ClinVar:

NM_004304.5(ALK):c.2153del (p.Gly718fs)

Gene: ALK (ALK receptor tyrosine kinase; minus strand). Cytogenetic location: 2p23.2.
Variant type: Deletion.
Coding change: c.2153del on transcript NM_004304.5 (MANE Select); coding-DNA position 2153, one base deleted (G; older notation c.2153delG).
Protein change: p.Gly718fs; shifts the reading frame from glycine 718.
Molecular consequence: frameshift variant.
Genome position (GRCh38, 1-based): chr2:29,251,156, C deleted on the plus strand (G on the coding strand, the reverse complement: ALK is on the minus strand); the first of 3 consecutive C bases (chr2:29,251,156-29,251,158); deleting any one gives the same sequence. VCF-style (leftmost placement, unchanged base first): chr2-29251155-GC-G. GRCh37 (hg19) VCF-style: chr2-29474021-GC-G.
Other names: short protein forms G718fs.
Identifiers: ClinVar variation 1051429 (VCV001051429.7), dbSNP rs2148197344, ClinGen allele CA2499215880.

ClinVar aggregate classification (germline): Uncertain significance (1 of 4 stars; one submission).

Conditions:
Neuroblastoma, susceptibility to, 3. Also called: ALK-Related Neuroblastic Tumor Susceptibility. Identifiers: Orphanet 635, MedGen C2751681, MONDO:0013083, OMIM 613014.

Submission:

Labcorp Genetics (formerly Invitae), Labcorp
Classification: Uncertain significance for Neuroblastoma, susceptibility to, 3. Last evaluated: 2020-07-15. Review status: criteria provided, single submitter. Criteria: Invitae Variant Classification Sherloc (09022015). Collection method: clinical testing. Allele origin: germline.
Comment: This sequence change creates a premature translational stop signal (p.Gly718Alafs*3) in the ALK gene. It is expected to result in an absent or disrupted protein product. This variant is not present in population databases (ExAC no frequency). This variant has not been reported in the literature in individuals with ALK-related conditions. The current clinical and genetic evidence is not sufficient to establish whether loss-of-function variants in ALK cause disease. In summary, the available evidence is currently insufficient to determine the role of this variant in disease. Therefore, it has been classified as a Variant of Uncertain Significance.